The following is an entry in ClinVar:

NM_004836.7(EIF2AK3):c.2211G>T (p.Gln737His)

Genes: EIF2AK3 (eukaryotic translation initiation factor 2 alpha kinase 3; minus strand), EIF2AK3-AS1 (EIF2AK3 antisense RNA 1; plus strand). Cytogenetic location: 2p11.2.
Variant type: single nucleotide variant.
Coding change: c.2211G>T on transcript NM_004836.7 (MANE Select); coding-DNA position 2211, G replaced by T.
Protein change: p.Gln737His; replaces glutamine 737 with histidine.
Molecular consequence: missense variant. On other transcripts: non-coding transcript variant (1).
Genome position (GRCh38, 1-based): chr2:88,575,272, C>A on the plus strand (G>T on the coding strand, the complement: EIF2AK3 is on the minus strand). VCF-style: chr2-88575272-C-A. GRCh37 (hg19) VCF-style: chr2-88874790-C-A.
Other names: c.1758G>T, p.Gln586His (NM_001313915.2); short protein forms Q737H, Q586H.
Identifiers: ClinVar variation 1374305 (VCV001374305.6), dbSNP rs765442506, ClinGen allele CA347592422.

ClinVar aggregate classification (germline): Uncertain significance (1 of 4 stars; one submission).

Submission:

Labcorp Genetics (formerly Invitae), Labcorp
Classification: Uncertain significance. Last evaluated: 2023-12-11. Review status: criteria provided, single submitter. Criteria: Invitae Variant Classification Sherloc (09022015). Collection method: clinical testing. Allele origin: germline.
Comment: This sequence change replaces glutamine, which is neutral and polar, with histidine, which is basic and polar, at codon 737 of the EIF2AK3 protein (p.Gln737His). This variant is not present in population databases (gnomAD no frequency). This variant has not been reported in the literature in individuals affected with EIF2AK3-related conditions. ClinVar contains an entry for this variant (Variation ID: 1374305). An algorithm developed to predict the effect of missense changes on protein structure and function (PolyPhen-2) suggests that this variant is likely to be tolerated. In summary, the available evidence is currently insufficient to determine the role of this variant in disease. Therefore, it has been classified as a Variant of Uncertain Significance.